The following is an entry in ClinVar:

NM_032409.3(PINK1):c.1488G>A (p.Lys496=)

Genes: PINK1-AS (PINK1 antisense RNA; minus strand), PINK1 (PTEN induced kinase 1; plus strand). Cytogenetic location: 1p36.12.
Variant type: single nucleotide variant.
Coding change: c.1488G>A on transcript NM_032409.3 (MANE Select); coding-DNA position 1488, G replaced by A.
Protein change: p.Lys496=; no amino-acid change (lysine 496 retained).
Molecular consequence: synonymous variant. On other transcripts: non-coding transcript variant (1).
Genome position (GRCh38, 1-based): chr1:20,649,231, G>A. VCF-style: chr1-20649231-G-A. GRCh37 (hg19) VCF-style: chr1-20975724-G-A.
Identifiers: ClinVar variation 534247 (VCV000534247.10), dbSNP rs56217826, ClinGen allele CA660834.

ClinVar aggregate classification (germline): Uncertain significance. Review status: criteria provided, multiple submitters, no conflicts (2 of 4 stars). 3 submissions from 3 submitters: Uncertain significance (3). Last evaluated 2025-02-15.

Conditions:
Autosomal recessive early-onset Parkinson disease 6 (PARK6). Also called: PARKINSON DISEASE 6, MODIFIER OF; PINK1-Related Parkinson Disease; PARKINSON DISEASE 6, EARLY-ONSET; PINK1 Type of Young-Onset Parkinson Disease. Identifiers: Orphanet 2828, MedGen C1853833, MONDO:0011613, OMIM 605909.

Allele frequency attached by ClinVar (database versions not stated): TOPMed 0.00005; gnomAD 0.00007; ExAC 0.00009; gnomAD exomes 0.00009; ESP Exome Variant Server 0.00015.
gnomAD v4.1: 65 of 1,613,846 alleles (0.004%); highest among the groups gnomAD compares: South Asian, 0.0011%; 1 homozygote.

Submissions (4):

GeneDx
Classification: Uncertain significance. Last evaluated: 2025-02-15. Review status: criteria provided, single submitter. Criteria: GeneDx Variant Classification Process June 2021. Collection method: clinical testing. Allele origin: germline. Affected: yes.
Comment: In silico analysis supports a deleterious effect on splicing; Has not been previously published as pathogenic or benign to our knowledge

Labcorp Genetics (formerly Invitae), Labcorp
Classification: Uncertain significance for Autosomal recessive early-onset Parkinson disease 6. Last evaluated: 2022-08-09. Review status: criteria provided, single submitter. Criteria: Invitae Variant Classification Sherloc (09022015). Collection method: clinical testing. Allele origin: germline.
Comment: In summary, the available evidence is currently insufficient to determine the role of this variant in disease. Therefore, it has been classified as a Variant of Uncertain Significance. Variants that disrupt the consensus splice site are a relatively common cause of aberrant splicing (PMID: 17576681, 9536098). Algorithms developed to predict the effect of sequence changes on RNA splicing suggest that this variant may disrupt the consensus splice site. ClinVar contains an entry for this variant (Variation ID: 534247). This variant has not been reported in the literature in individuals affected with PINK1-related conditions. This variant is present in population databases (rs56217826, gnomAD 0.2%), including at least one homozygous and/or hemizygous individual. This sequence change affects codon 496 of the PINK1 mRNA. It is a 'silent' change, meaning that it does not change the encoded amino acid sequence of the PINK1 protein. This variant also falls at the last nucleotide of exon 7, which is part of the consensus splice site for this exon.

Fulgent Genetics
Classification: Uncertain significance for Autosomal recessive early-onset Parkinson disease 6. Last evaluated: 2021-11-29. Review status: criteria provided, single submitter. Criteria: ACMG Guidelines, 2015. Collection method: clinical testing. Allele origin: unknown.

Dr. Peter K. Rogan Lab, Western University
No classification provided (evidence only). Condition: Ovarian serous cystadenocarcinoma. Review status: no classification provided. Collection method: in vitro. Allele origin: not applicable. Functional consequence: retained intron. Not counted in ClinVar's aggregate classification.

Literature cited by the submitters: PubMed 17576681 (cited by Labcorp Genetics (formerly Invitae), Labcorp); PubMed 9536098 (cited by Labcorp Genetics (formerly Invitae), Labcorp).